The following is an entry in ClinVar:

NM_000038.6(APC):c.707A>T (p.Gln236Leu)

Gene: APC (APC regulator of Wnt signaling pathway; plus strand). Cytogenetic location: 5q22.2.
Variant type: single nucleotide variant.
Coding change: c.707A>T on transcript NM_000038.6 (MANE Select); coding-DNA position 707, A replaced by T.
Protein change: p.Gln236Leu; replaces glutamine 236 with leucine.
Molecular consequence: missense variant. On other transcripts: 5 prime UTR variant (1), intron variant (2).
Genome position (GRCh38, 1-based): chr5:112,792,507, A>T. VCF-style: chr5-112792507-A-T. GRCh37 (hg19) VCF-style: chr5-112128204-A-T.
Other names: c.707A>T, p.Gln236Leu (NM_001127510.3, NM_001354895.2, NM_001354896.2 and 12 more transcripts); c.737A>T, p.Gln246Leu (NM_001354897.2, NM_001354902.2, NM_001407446.1); c.632A>T, p.Gln211Leu (NM_001354898.2, NM_001354904.2, NM_001407451.1); c.530A>T, p.Gln177Leu (NM_001354900.2, NM_001354901.2, NM_001354905.2 and 1 more transcripts); c.-329A>T (NM_001354906.2, NM_001407470.1, NM_001407471.1 and 1 more transcripts); c.707A>T (NM_000038.5); c.676-8772A>T (NM_001127511.3); c.646-8772A>T (NM_001354899.2); short protein forms Q177L, Q236L, Q246L, Q211L.
Identifiers: ClinVar variation 2104453 (VCV002104453.5), dbSNP rs1433658799, ClinGen allele CA16022880.
Genomic context (GRCh38, chr5:112,792,507, plus strand): 5'-GAAGAATAGCCAGAATTCAGCAAATCGAAAAGGACATACTTCGTATACGACAGCTTTTAC[A>T]GTCCCAAGCAACAGAAGCAGAGGTTAGTAAATTGCCTTTCTTGTTTGTGGGTATAAAAAT-3'
Protein context (NP_000029.2, residues 226-246): KDILRIRQLL[Gln236Leu]SQATEAERSS

ClinVar aggregate classification (germline): Uncertain significance. Review status: criteria provided, multiple submitters, no conflicts (2 of 4 stars). 2 submissions from 2 submitters: Uncertain significance (2). Last evaluated 2024-04-19.

Conditions:
Hereditary cancer-predisposing syndrome. Also called: Hereditary Cancer Syndrome; Tumor predisposition; Neoplastic Syndromes, Hereditary; Hereditary neoplastic syndrome. Identifiers: Orphanet 140162, MedGen C0027672, MeSH D009386, MONDO:0015356.
Familial adenomatous polyposis 1 (FAP1). Also called: FAMILIAL ADENOMATOUS POLYPOSIS 1, ATTENUATED; POLYPOSIS, ADENOMATOUS INTESTINAL. Identifiers: MedGen C2713442, MONDO:0021056, OMIM 175100. Disease mechanism: loss of function.

Submissions (2):

Ambry Genetics
Classification: Uncertain significance for Hereditary cancer-predisposing syndrome. Last evaluated: 2024-04-19. Review status: criteria provided, single submitter. Criteria: Ambry Variant Classification Scheme 2023. Collection method: clinical testing. Allele origin: germline.
Comment: The p.Q236L variant (also known as c.707A>T), located in coding exon 6 of the APC gene, results from an A to T substitution at nucleotide position 707. The glutamine at codon 236 is replaced by leucine, an amino acid with dissimilar properties. This amino acid position is conserved. In addition, in silico predictors for this gene do not accurately predict pathogenicity. Based on the available evidence, the clinical significance of this variant remains unclear.

Labcorp Genetics (formerly Invitae), Labcorp
Classification: Uncertain significance for Familial adenomatous polyposis 1. Last evaluated: 2022-02-28. Review status: criteria provided, single submitter. Criteria: Invitae Variant Classification Sherloc (09022015). Collection method: clinical testing. Allele origin: germline.
Comment: In summary, the available evidence is currently insufficient to determine the role of this variant in disease. Therefore, it has been classified as a Variant of Uncertain Significance. Algorithms developed to predict the effect of missense changes on protein structure and function are either unavailable or do not agree on the potential impact of this missense change (SIFT: "Deleterious"; PolyPhen-2: "Benign"; Align-GVGD: "Class C0"). This variant has not been reported in the literature in individuals affected with APC-related conditions. This variant is not present in population databases (gnomAD no frequency). This sequence change replaces glutamine, which is neutral and polar, with leucine, which is neutral and non-polar, at codon 236 of the APC protein (p.Gln236Leu).